The following is an entry in ClinVar:

NM_016123.4(IRAK4):c.540del (p.Phe180fs)

Gene: IRAK4 (interleukin 1 receptor associated kinase 4; plus strand). Cytogenetic location: 12q12.
Variant type: Deletion.
Coding change: c.540del on transcript NM_016123.4 (MANE Select); coding-DNA position 540, one base deleted (T; older notation c.540delT).
Protein change: p.Phe180fs; shifts the reading frame from phenylalanine 180.
Molecular consequence: frameshift variant. On other transcripts: nonsense (2).
Genome position (GRCh38, 1-based): chr12:43,772,961, T deleted; the last of 3 consecutive T bases (chr12:43,772,959-43,772,961); deleting any one gives the same sequence. VCF-style (leftmost placement, unchanged base first): chr12-43772958-CT-C. GRCh37 (hg19) VCF-style: chr12-44166761-CT-C.
Other names: c.540del, p.Phe180fs (NM_001114182.3, NM_001351345.2); c.168del, p.Phe56fs (NM_001145256.2, NM_001145257.2, NM_001145258.2 and 5 more transcripts); c.17del, p.Thr5_Leu6insTer (NM_001351343.2, NM_001351344.2); short protein forms F180fs, F56fs.
Identifiers: ClinVar variation 1069901 (VCV001069901.8), dbSNP rs753106997, ClinGen allele CA6522404.
Genomic context (GRCh38, chr12:43,772,958, plus strand): 5'-TTATTTTGACATAGGTTTTCACAGTTTTTCATTTTATGAATTGAAGAATGTCACAAATAA[CT>C]TTGATGAACGACCCATTTCTGTTGGTGGTAATAAAATGGGAGAGGGAGGATTTGGAGTTG-3'

ClinVar aggregate classification (germline): Pathogenic/Likely pathogenic. Review status: criteria provided, multiple submitters, no conflicts (2 of 4 stars). 2 submissions from 2 submitters: Pathogenic (1); Likely pathogenic (1). Last evaluated 2023-08-04.

Conditions:
Immunodeficiency 67. Also called: Immunodeficiency due to interleukin-1 receptor-associated kinase-4 deficiency. Identifiers: Orphanet 70592, MedGen C1843256, MONDO:0011888, OMIM 607676.

Submissions (2):

Labcorp Genetics (formerly Invitae), Labcorp
Classification: Pathogenic for Immunodeficiency 67. Last evaluated: 2023-08-04. Review status: criteria provided, single submitter. Criteria: Invitae Variant Classification Sherloc (09022015). Collection method: clinical testing. Allele origin: germline.
Comment: For these reasons, this variant has been classified as Pathogenic. ClinVar contains an entry for this variant (Variation ID: 1069901). This variant has not been reported in the literature in individuals affected with IRAK4-related conditions. This variant is present in population databases (rs753106997, gnomAD 0.02%). This sequence change creates a premature translational stop signal (p.Phe180Leufs*26) in the IRAK4 gene. It is expected to result in an absent or disrupted protein product. Loss-of-function variants in IRAK4 are known to be pathogenic (PMID: 17893200, 21057262).

Juno Genomics, Hangzhou Juno Genomics, Inc
Classification: Likely pathogenic for Immunodeficiency 67. Review status: criteria provided, single submitter. Criteria: ACMG Guidelines, 2015. Collection method: clinical testing. Allele origin: germline. Affected: yes.
Comment: Absent from controls (or at extremely low frequency if recessive) in Genome Aggregation Database, Exome Sequencing Project, 1000 Genomes Project, or Exome Aggregation Consortium.;Null variant in a gene where loss of function (LOF) is a known mechanism of disease.

Literature cited by the submitters: PubMed 17893200 (cited by Labcorp Genetics (formerly Invitae), Labcorp); PubMed 21057262 (cited by Labcorp Genetics (formerly Invitae), Labcorp).